The following is an entry in ClinVar:

ClinVar aggregate classification (germline): Uncertain significance. Review status: criteria provided, multiple submitters, no conflicts (2 of 4 stars). 2 submissions from 2 submitters: Uncertain significance (2). Last evaluated 2024-03-13.

Conditions:
Vesicoureteral reflux 2 (VUR2). Identifiers: Orphanet 289365, MedGen C1970483, MONDO:0012573, OMIM 610878.

Allele frequency attached by ClinVar (database versions not stated): ExAC 0.00001.

Submissions (2):

Fulgent Genetics
Classification: Uncertain significance for Vesicoureteral reflux 2. Last evaluated: 2024-03-13. Review status: criteria provided, single submitter. Criteria: ACMG Guidelines, 2015. Collection method: clinical testing. Allele origin: germline.

Labcorp Genetics (formerly Invitae), Labcorp
Classification: Uncertain significance. Last evaluated: 2022-10-07. Review status: criteria provided, single submitter. Criteria: Invitae Variant Classification Sherloc (09022015). Collection method: clinical testing. Allele origin: germline.
Comment: In summary, the available evidence is currently insufficient to determine the role of this variant in disease. Therefore, it has been classified as a Variant of Uncertain Significance. Advanced modeling of protein sequence and biophysical properties (such as structural, functional, and spatial information, amino acid conservation, physicochemical variation, residue mobility, and thermodynamic stability) performed at Invitae indicates that this missense variant is not expected to disrupt ROBO2 protein function. This sequence change replaces arginine, which is basic and polar, with tryptophan, which is neutral and slightly polar, at codon 79 of the ROBO2 protein (p.Arg79Trp). This variant is present in population databases (rs768561235, gnomAD 0.003%). This variant has not been reported in the literature in individuals affected with ROBO2-related conditions.

NM_001395656.1(ROBO2):c.235C>T (p.Arg79Trp)

Gene: ROBO2 (roundabout guidance receptor 2; plus strand). Cytogenetic location: 3p12.3.
Variant type: single nucleotide variant.
Coding change: c.235C>T on transcript NM_001395656.1 (MANE Select); coding-DNA position 235, C replaced by T.
Protein change: p.Arg79Trp; replaces arginine 79 with tryptophan.
Molecular consequence: missense variant. On other transcripts: 5 prime UTR variant (1).
Genome position (GRCh38, 1-based): chr3:77,098,187, C>T. VCF-style: chr3-77098187-C-T. GRCh37 (hg19) VCF-style: chr3-77147338-C-T.
Other names: c.283C>T, p.Arg95Trp (NM_001128929.3, NM_001378190.1, NM_001378191.1 and 5 more transcripts); c.235C>T, p.Arg79Trp (NM_001290039.2, NM_001290040.2, NM_001378193.1 and 3 more transcripts); c.-1684C>T (NM_001290065.2); c.304C>T, p.Arg102Trp (NM_001378192.1, NM_001378194.1, NM_001378198.1 and 5 more transcripts); short protein forms R95W, R102W, R79W.
Identifiers: ClinVar variation 1901997 (VCV001901997.6), dbSNP rs768561235, ClinGen allele CA2496672.